The following is an entry in ClinVar:

ClinVar aggregate classification (germline): Likely pathogenic (1 of 4 stars; one submission).

Allele frequency attached by ClinVar (database versions not stated): gnomAD exomes below 0.00001.
gnomAD v4.1: 1 of 1,572,212 alleles (0.000064%); highest among the groups gnomAD compares: Admixed American, 0.0018%; no homozygotes.

Submission:

Labcorp Genetics (formerly Invitae), Labcorp
Classification: Likely pathogenic. Last evaluated: 2023-02-16. Review status: criteria provided, single submitter. Criteria: Invitae Variant Classification Sherloc (09022015). Collection method: clinical testing. Allele origin: germline.
Comment: This sequence change affects an acceptor splice site in intron 40 of the VPS13A gene. It is expected to disrupt RNA splicing. Variants that disrupt the donor or acceptor splice site typically lead to a loss of protein function (PMID: 16199547), and loss-of-function variants in VPS13A are known to be pathogenic (PMID: 12404112, 21598378). This variant is not present in population databases (gnomAD no frequency). This variant has not been reported in the literature in individuals affected with VPS13A-related conditions. Algorithms developed to predict the effect of sequence changes on RNA splicing suggest that this variant may disrupt the consensus splice site. In summary, the currently available evidence indicates that the variant is pathogenic, but additional data are needed to prove that conclusively. Therefore, this variant has been classified as Likely Pathogenic.

Literature cited by the submitters: PubMed 16199547; PubMed 12404112; PubMed 21598378.

NM_033305.3(VPS13A):c.4957-2A>G

Gene: VPS13A (vacuolar protein sorting 13 homolog A; plus strand). Cytogenetic location: 9q21.2.
Variant type: single nucleotide variant.
Coding change: c.4957-2A>G on transcript NM_033305.3 (MANE Select); the canonical splice acceptor site of the intron before coding-DNA position 4957, A replaced by G.
Molecular consequence: splice acceptor variant.
Genome position (GRCh38, 1-based): chr9:77,318,233, A>G. VCF-style: chr9-77318233-A-G. GRCh37 (hg19) VCF-style: chr9-79933149-A-G.
Other names: c.4840-2A>G (NM_001018037.2); c.4957-2A>G (NM_015186.4, NM_001018038.3).
Identifiers: ClinVar variation 2830093 (VCV002830093.3), dbSNP rs2537995070, ClinGen allele CA373858824.